The following is an entry in ClinVar:

ClinVar aggregate classification (germline): Uncertain significance (1 of 4 stars; one submission).

Submission:

Ambry Genetics
Classification: Uncertain significance. Last evaluated: 2025-01-03. Review status: criteria provided, single submitter. Criteria: Ambry Variant Classification Scheme 2023. Collection method: clinical testing. Allele origin: germline.
Comment: The p.D508Y variant (also known as c.1522G>T), located in coding exon 6 of the WNK2 gene, results from a G to T substitution at nucleotide position 1522. The aspartic acid at codon 508 is replaced by tyrosine, an amino acid with highly dissimilar properties. This amino acid position is conserved. In addition, this alteration is predicted to be tolerated by in silico analysis. Based on the available evidence, the clinical significance of this variant remains unclear.

NM_006648.4(WNK2):c.1522G>T (p.Asp508Tyr)

Gene: WNK2 (WNK lysine deficient protein kinase 2; plus strand). Cytogenetic location: 9q22.31.
Variant type: single nucleotide variant.
Coding change: c.1522G>T on transcript NM_006648.4 (MANE Select); coding-DNA position 1522, G replaced by T.
Protein change: p.Asp508Tyr; replaces aspartic acid 508 with tyrosine.
Molecular consequence: missense variant.
Genome position (GRCh38, 1-based): chr9:93,239,956, G>T. VCF-style: chr9-93239956-G-T. GRCh37 (hg19) VCF-style: chr9-96002238-G-T.
Other names: c.1522G>T, p.Asp508Tyr (NM_001282394.3); short protein forms D508Y.
Identifiers: ClinVar variation 3816713 (VCV003816713.1).
Genomic context (GRCh38, chr9:93,239,956, plus strand): 5'-GGAAAGCCCAAGGACAATGGAGCCATAGAGTTCACCTTCGACCTGGAGAAGGAGACGCCG[G>T]ATGAGGTGGCCCAAGAGATGGTAAGCAGGACTCAGATGGGGTGAGGTGGGTGCAGGTGTT-3'
Protein context (NP_006639.3, residues 498-518): FTFDLEKETP[Asp508Tyr]EVAQEMIESG